The following is an entry in ClinVar:

NM_003190.5(TAPBP):c.1210G>A (p.Gly404Ser)

Gene: TAPBP (TAP binding protein; minus strand). Cytogenetic location: 6p21.32.
Variant type: single nucleotide variant.
Coding change: c.1210G>A on transcript NM_003190.5 (MANE Select); coding-DNA position 1210, G replaced by A.
Protein change: p.Gly404Ser; replaces glycine 404 with serine.
Molecular consequence: missense variant.
Genome position (GRCh38, 1-based): chr6:33,304,297, C>T on the plus strand (G>A on the coding strand, the complement: TAPBP is on the minus strand). VCF-style: chr6-33304297-C-T. GRCh37 (hg19) VCF-style: chr6-33272074-C-T.
Other names: c.1210G>A, p.Gly404Ser (NM_172208.3, NM_001410875.1); c.949G>A, p.Gly317Ser (NM_172209.3); short protein forms G317S, G404S.
Identifiers: ClinVar variation 2714367 (VCV002714367.3), dbSNP rs971104530, ClinGen allele CA137088994.
Genomic context (GRCh38, chr6:33,304,297, plus strand): 5'-AGAGTGAGCTCCTGTCTTCCTGGGTGCTGGCTCAGATTCCGCAGAGCTCCCAGCTCTTAC[C>T]TGCTACCTCCAGGGTGACCTCAGCGCTGCGCCCCGAGGCAGGCAGGCTGGGATGGTGAAT-3'
Protein context (NP_003181.3, residues 394-414): RSAEVTLEVA[Gly404Ser]LSGPSLEDSV

ClinVar aggregate classification (germline): Uncertain significance (1 of 4 stars; one submission).

Conditions:
MHC class I deficiency. Identifiers: Orphanet 34592, MedGen C6024714, MONDO:0011476.

Allele frequency attached by ClinVar (database versions not stated): gnomAD 0.00001; TOPMed 0.00001; gnomAD exomes 0.00002.
gnomAD v4.1: 11 of 1,600,906 alleles (0.00069%); highest among the groups gnomAD compares: Admixed American, 0.017%; no homozygotes.

Submission:

Labcorp Genetics (formerly Invitae), Labcorp
Classification: Uncertain significance for MHC class I deficiency 1. Last evaluated: 2026-01-02. Review status: criteria provided, single submitter. Criteria: Invitae Variant Classification Sherloc (09022015). Collection method: clinical testing. Allele origin: germline.
Comment: This sequence change replaces glycine, which is neutral and non-polar, with serine, which is neutral and polar, at codon 404 of the TAPBP protein (p.Gly404Ser). This variant also falls at the last nucleotide of exon 5, which is part of the consensus splice site for this exon. This variant is present in population databases (no rsID available, gnomAD 0.03%). This variant has not been reported in the literature in individuals affected with TAPBP-related conditions. ClinVar contains an entry for this variant (Variation ID: 2714367). An algorithm developed to predict the effect of missense changes on protein structure and function (PolyPhen-2) suggests that this variant is likely to be disruptive. Variants that disrupt the consensus splice site are a relatively common cause of aberrant splicing (PMID: 17576681, 9536098). Algorithms developed to predict the effect of sequence changes on RNA splicing suggest that this variant may disrupt the consensus splice site. In summary, the available evidence is currently insufficient to determine the role of this variant in disease. Therefore, it has been classified as a Variant of Uncertain Significance.

Literature cited by the submitters: PubMed 17576681; PubMed 9536098.